The following is an entry in ClinVar:

ClinVar aggregate classification (germline): Uncertain significance (1 of 4 stars; one submission).

Conditions:
Tuberous sclerosis 1 (TSC1). Identifiers: Orphanet 805, MedGen C1854465, MONDO:0008612, OMIM 191100.

Submission:

Labcorp Genetics (formerly Invitae), Labcorp
Classification: Uncertain significance for Tuberous sclerosis 1. Last evaluated: 2023-05-25. Review status: criteria provided, single submitter. Criteria: Invitae Variant Classification Sherloc (09022015). Collection method: clinical testing. Allele origin: germline.
Comment: In summary, the available evidence is currently insufficient to determine the role of this variant in disease. Therefore, it has been classified as a Variant of Uncertain Significance. Advanced modeling of protein sequence and biophysical properties (such as structural, functional, and spatial information, amino acid conservation, physicochemical variation, residue mobility, and thermodynamic stability) performed at Invitae indicates that this missense variant is not expected to disrupt TSC1 protein function. This variant has not been reported in the literature in individuals affected with TSC1-related conditions. This variant is not present in population databases (gnomAD no frequency). This sequence change replaces histidine, which is basic and polar, with aspartic acid, which is acidic and polar, at codon 823 of the TSC1 protein (p.His823Asp).

NM_000368.5(TSC1):c.2467C>G (p.His823Asp)

Gene: TSC1 (TSC complex subunit 1; minus strand). Cytogenetic location: 9q34.13.
Variant type: single nucleotide variant.
Coding change: c.2467C>G on transcript NM_000368.5 (MANE Select); coding-DNA position 2467, C replaced by G.
Protein change: p.His823Asp; replaces histidine 823 with aspartic acid.
Molecular consequence: missense variant. On other transcripts: non-coding transcript variant (5), intron variant (8).
Genome position (GRCh38, 1-based): chr9:132,901,624, G>C on the plus strand (C>G on the coding strand, the complement: TSC1 is on the minus strand). VCF-style: chr9-132901624-G-C. GRCh37 (hg19) VCF-style: chr9-135777011-G-C.
Other names: c.1414C>G, p.His472Asp (NM_001406630.1, NM_001406629.1); c.2094+7C>G (NM_001406625.1); c.2304+7C>G (NM_001406613.1); c.2457+7C>G (NM_001406609.1, NM_001406608.1); c.2460+7C>G (NM_001406606.1, NM_001406607.1, NM_001406605.1); c.2097+7C>G (NM_001406624.1); c.1513C>G, p.His505Asp (NM_001406628.1, NM_001406627.1); c.2464C>G, p.His822Asp (NM_001162426.2, NM_001406597.1, NM_001406598.1 and 2 more transcripts); and 8 more; short protein forms H505D, H771D, H822D, H701D, H817D, H818D, H506D, H702D.
Identifiers: ClinVar variation 2916950 (VCV002916950.3), dbSNP rs2131705061, ClinGen allele CA375358314.